The following is an entry in ClinVar:

ClinVar aggregate classification (germline): Likely benign (1 of 4 stars; one submission).

gnomAD v4.1: 5,943 of 1,614,184 alleles (0.37%); highest among the groups gnomAD compares: Non-Finnish European, 0.45%; 8 homozygotes.

Submission:

CeGaT Center for Human Genetics Tuebingen
Classification: Likely benign. Last evaluated: 2024-09-01. Review status: criteria provided, single submitter. Criteria: CeGaT Center For Human Genetics Tuebingen Variant Classification Criteria Version 2. Collection method: clinical testing. Allele origin: germline. Affected: yes. Observed: 1 variant allele.
Comment: SFI1: BP4, BP7

NM_001007467.3(SFI1):c.510G>A (p.Glu170=)

Gene: SFI1 (SFI1 centrin binding protein; plus strand). Cytogenetic location: 22q12.2.
Variant type: single nucleotide variant.
Coding change: c.510G>A on transcript NM_001007467.3 (MANE Select); coding-DNA position 510, G replaced by A.
Protein change: p.Glu170=; no amino-acid change (glutamic acid 170 retained).
Molecular consequence: synonymous variant.
Genome position (GRCh38, 1-based): chr22:31,550,314, G>A. VCF-style: chr22-31550314-G-A. GRCh37 (hg19) VCF-style: chr22-31946300-G-A.
Other names: c.438G>A, p.Glu146= (NM_001258325.1); c.264G>A, p.Glu88= (NM_001258326.2, NM_001258327.2); c.510G>A, p.Glu170= (NM_014775.4).
Identifiers: ClinVar variation 3388197 (VCV003388197.14).
Genomic context (GRCh38, chr22:31,550,314, plus strand): 5'-GTATTACCTGTACAACCTGATGTTCCAGACGTGGAAGACCTATGTGCGTCAGCAGCAGGA[G>A]ATGAGGAACAAGTACATTAGAGCCGAGGTTCATGGTGAGAAAAAGAAGTCCATGTCTGAA-3'
Protein context (NP_001007468.1, residues 160-180): TWKTYVRQQQ[Glu170=]MRNKYIRAEV